The following is an entry in ClinVar:

ClinVar aggregate classification (germline): Likely benign (1 of 4 stars; one submission).

gnomAD v4.1: 31 of 1,613,850 alleles (0.0019%); highest among the groups gnomAD compares: Admixed American, 0.022%; no homozygotes.

Submission:

CeGaT Center for Human Genetics Tuebingen
Classification: Likely benign. Last evaluated: 2025-11-01. Review status: criteria provided, single submitter. Criteria: CeGaT Center For Human Genetics Tuebingen Variant Classification Criteria Version 2. Collection method: clinical testing. Allele origin: germline. Affected: yes. Observed: 1 variant allele.
Comment: TANC2: BP4, BP7

NM_001394998.1(TANC2):c.5550G>A (p.Pro1850=)

Gene: TANC2 (tetratricopeptide repeat, ankyrin repeat and coiled-coil containing 2; plus strand). Cytogenetic location: 17q23.3.
Variant type: single nucleotide variant.
Coding change: c.5550G>A on transcript NM_001394998.1 (MANE Select); coding-DNA position 5550, G replaced by A.
Protein change: p.Pro1850=; no amino-acid change (proline 1850 retained).
Molecular consequence: synonymous variant.
Genome position (GRCh38, 1-based): chr17:63,421,280, G>A. VCF-style: chr17-63421280-G-A. GRCh37 (hg19) VCF-style: chr17-61498641-G-A.
Other names: c.5328G>A, p.Pro1776= (NM_001411076.1); c.5298G>A, p.Pro1766= (NM_025185.4).
Identifiers: ClinVar variation 4534474 (VCV004534474.6).
Genomic context (GRCh38, chr17:63,421,280, plus strand): 5'-TGTGTCGCATTTAATCAGAAGACCTATCAGTGTCAACCCTAACGAAATCAAACCGCACCC[G>A]CCAACTCCCAGGCCGTTGCTGCATTCCCAAAGTGTAGGCCTTCGCTTCTCTCCATCTAGC-3'
Protein context (NP_001381927.1, residues 1840-1860): SVNPNEIKPH[Pro1850=]PTPRPLLHSQ